The following is an entry in ClinVar:

ClinVar aggregate classification (germline): Conflicting classifications of pathogenicity. Review status: criteria provided, conflicting classifications (1 of 4 stars). 4 submissions from 4 submitters: Uncertain significance (1); Benign (1); Likely benign (2). Last evaluated 2026-01-01.

Conditions:
Imerslund-Grasbeck syndrome type 1 (IGS1). Also called: MEGALOBLASTIC ANEMIA, 1; Imerslund-Gräsbeck syndrome 1; Megaloblastic anemia 1, Finnish type. Identifiers: MedGen C4016819, MONDO:0100156, OMIM 261100.
Imerslund-Grasbeck syndrome. Also called: Megaloblastic anemia due to inborn errors of metabolism; Imerslund-Gräsbeck syndrome; ENTEROCYTE COBALAMIN MALABSORPTION; ENTEROCYTE INTRINSIC FACTOR RECEPTOR, DEFECT OF; PERNICIOUS ANEMIA, JUVENILE, DUE TO SELECTIVE INTESTINAL MALABSORPTION OF VITAMIN B12, WITH PROTEINURIA. Identifiers: Orphanet 35858, MedGen C4551825, MONDO:0009853.

Allele frequency attached by ClinVar (database versions not stated): gnomAD exomes 0.00023; ExAC 0.00029; ESP Exome Variant Server 0.00077; gnomAD 0.00106 and 0.00111; TOPMed 0.00125; 1000 Genomes Project 0.00180; 1000 Genomes Project 30x 0.00187.
gnomAD v4.1: 326 of 1,613,966 alleles (0.02%); highest among the groups gnomAD compares: African/African-American, 0.41%; 1 homozygote.

Submissions (4):

CeGaT Center for Human Genetics Tuebingen
Classification: Likely benign. Last evaluated: 2026-01-01. Review status: criteria provided, single submitter. Criteria: CeGaT Center For Human Genetics Tuebingen Variant Classification Criteria Version 2. Collection method: clinical testing. Allele origin: germline. Affected: yes. Observed: 1 variant allele.
Comment: CUBN: BP4, BP7

Labcorp Genetics (formerly Invitae), Labcorp
Classification: Benign for Imerslund-Grasbeck syndrome. Last evaluated: 2025-07-01. Review status: criteria provided, single submitter. Criteria: Invitae Variant Classification Sherloc (09022015). Collection method: clinical testing. Allele origin: germline.

Blueprint Genetics
Classification: Likely benign. Last evaluated: 2024-10-16. Review status: criteria provided, single submitter. Criteria: ACMG Guidelines, 2015. Collection method: clinical testing. Allele origin: germline.

Illumina Laboratory Services, Illumina
Classification: Uncertain significance for Imerslund-Grasbeck syndrome type 1. Last evaluated: 2018-01-13. Review status: criteria provided, single submitter. Criteria: ICSL Variant Classification Criteria 13 December 2019. Collection method: clinical testing. Allele origin: germline.

NM_001081.4(CUBN):c.5967G>C (p.Val1989=)

Gene: CUBN (cubilin; minus strand). Cytogenetic location: 10p13.
Variant type: single nucleotide variant.
Coding change: c.5967G>C on transcript NM_001081.4 (MANE Select); coding-DNA position 5967, G replaced by C.
Protein change: p.Val1989=; no amino-acid change (valine 1989 retained).
Molecular consequence: synonymous variant.
Genome position (GRCh38, 1-based): chr10:16,933,244, C>G on the plus strand (G>C on the coding strand, the complement: CUBN is on the minus strand). VCF-style: chr10-16933244-C-G. GRCh37 (hg19) VCF-style: chr10-16975243-C-G.
Identifiers: ClinVar variation 299447 (VCV000299447.17), dbSNP rs139153235, ClinGen allele CA5423839.